The following is an entry in ClinVar:

ClinVar aggregate classification (germline): Uncertain significance (1 of 4 stars; one submission).

Conditions:
Inborn genetic diseases. Identifiers: MedGen C0950123, MeSH D030342.

Submission:

Ambry Genetics
Classification: Uncertain significance for Inborn genetic diseases. Last evaluated: 2025-10-21. Review status: criteria provided, single submitter. Criteria: Ambry Variant Classification Scheme 2023. Collection method: clinical testing. Allele origin: germline.
Comment: The c.4204G>T (p.G1402C) alteration is located in exon 26 (coding exon 26) of the CAD gene. This alteration results from a G to T substitution at nucleotide position 4204, causing the glycine (G) at amino acid position 1402 to be replaced by a cysteine (C). This variant was not reported in population-based cohorts in the Genome Aggregation Database (gnomAD). This amino acid position is highly conserved in available vertebrate species. This alteration is predicted to be deleterious by in silico analysis. Based on insufficient or conflicting evidence, the clinical significance of this alteration remains unclear.

NM_004341.5(CAD):c.4204G>T (p.Gly1402Cys)

Gene: CAD (carbamoyl-phosphate synthetase 2, aspartate transcarbamylase, and dihydroorotase; plus strand). Cytogenetic location: 2p23.3.
Variant type: single nucleotide variant.
Coding change: c.4204G>T on transcript NM_004341.5 (MANE Select); coding-DNA position 4204, G replaced by T.
Protein change: p.Gly1402Cys; replaces glycine 1402 with cysteine.
Molecular consequence: missense variant.
Genome position (GRCh38, 1-based): chr2:27,236,413, G>T. VCF-style: chr2-27236413-G-T. GRCh37 (hg19) VCF-style: chr2-27459281-G-T.
Other names: c.4015G>T, p.Gly1339Cys (NM_001306079.2); short protein forms G1339C, G1402C.
Identifiers: ClinVar variation 4218141 (VCV004218141.2).